The following is an entry in ClinVar:

ClinVar aggregate classification (germline): Uncertain significance. Review status: criteria provided, multiple submitters, no conflicts (2 of 4 stars). 2 submissions from 2 submitters: Uncertain significance (2). Last evaluated 2022-08-22.

Conditions:
Dyskeratosis congenita. Identifiers: Orphanet 1775, MedGen C0265965, MONDO:0015780.
Dyskeratosis congenita, autosomal dominant 2. Identifiers: MedGen C3151443, MONDO:0013521, OMIM 613989.
Idiopathic Pulmonary Fibrosis. Also called: Idiopathic fibrosing alveolitis, chronic form; idiopathic fibrosing alveolitis. Identifiers: Orphanet 2032, MedGen C1800706, MeSH D054990, MONDO:0800504.

Submissions (2):

Ambry Genetics
Classification: Uncertain significance for Dyskeratosis congenita. Last evaluated: 2022-08-22. Review status: criteria provided, single submitter. Criteria: Ambry Variant Classification Scheme 2023. Collection method: clinical testing. Allele origin: germline.
Comment: The p.E200G variant (also known as c.599A>G), located in coding exon 2 of the TERT gene, results from an A to G substitution at nucleotide position 599. The glutamic acid at codon 200 is replaced by glycine, an amino acid with similar properties. This amino acid position is conserved. In addition, this alteration is predicted to be tolerated by in silico analysis. Since supporting evidence is limited at this time, the clinical significance of this alteration remains unclear.

Labcorp Genetics (formerly Invitae), Labcorp
Classification: Uncertain significance for Dyskeratosis congenita, autosomal dominant 2; Idiopathic Pulmonary Fibrosis. Last evaluated: 2021-02-06. Review status: criteria provided, single submitter. Criteria: Invitae Variant Classification Sherloc (09022015). Collection method: clinical testing. Allele origin: germline.
Comment: This sequence change replaces glutamic acid with glycine at codon 200 of the TERT protein (p.Glu200Gly). The glutamic acid residue is weakly conserved and there is a moderate physicochemical difference between glutamic acid and glycine. This variant is not present in population databases (ExAC no frequency). This variant has not been reported in the literature in individuals with TERT-related conditions. Advanced modeling of protein sequence and biophysical properties (such as structural, functional, and spatial information, amino acid conservation, physicochemical variation, residue mobility, and thermodynamic stability) performed at Invitae indicates that this missense variant is not expected to disrupt TERT protein function. In summary, the available evidence is currently insufficient to determine the role of this variant in disease. Therefore, it has been classified as a Variant of Uncertain Significance.

NM_198253.3(TERT):c.599A>G (p.Glu200Gly)

Gene: TERT (telomerase reverse transcriptase; minus strand). Cytogenetic location: 5p15.33.
Variant type: single nucleotide variant.
Coding change: c.599A>G on transcript NM_198253.3 (MANE Select); coding-DNA position 599, A replaced by G.
Protein change: p.Glu200Gly; replaces glutamic acid 200 with glycine.
Molecular consequence: missense variant. On other transcripts: non-coding transcript variant (2).
Genome position (GRCh38, 1-based): chr5:1,294,287, T>C on the plus strand (A>G on the coding strand, the complement: TERT is on the minus strand). VCF-style: chr5-1294287-T-C. GRCh37 (hg19) VCF-style: chr5-1294402-T-C.
Other names: c.599A>G, p.Glu200Gly (NM_001193376.3); short protein forms E200G.
Identifiers: ClinVar variation 1518393 (VCV001518393.10), dbSNP rs2126688908, ClinGen allele CA359057227.